The following is an entry in ClinVar:

NM_004329.3(BMPR1A):c.1342+7G>A

Gene: BMPR1A (bone morphogenetic protein receptor type 1A; plus strand). Cytogenetic location: 10q23.2.
Variant type: single nucleotide variant.
Coding change: c.1342+7G>A on transcript NM_004329.3 (MANE Select); 7 bases into the intron after coding-DNA position 1342, G replaced by A.
Molecular consequence: intron variant.
Genome position (GRCh38, 1-based): chr10:86,921,702, G>A. VCF-style: chr10-86921702-G-A. GRCh37 (hg19) VCF-style: chr10-88681459-G-A.
Identifiers: ClinVar variation 384363 (VCV000384363.10), dbSNP rs1057521936, ClinGen allele CA16606721.

ClinVar aggregate classification (germline): Likely benign. Review status: criteria provided, multiple submitters, no conflicts (2 of 4 stars). 3 submissions from 3 submitters: Likely benign (3). Last evaluated 2024-08-07.

Conditions:
Juvenile polyposis syndrome (JPS). Identifiers: Orphanet 2929, MedGen C0345893, MONDO:0017380, OMIM 174900.

Allele frequency attached by ClinVar (database versions not stated): gnomAD exomes 0.00001.
gnomAD v4.1: 13 of 1,614,204 alleles (0.00081%); highest among the groups gnomAD compares: Non-Finnish European, 0.0011%; no homozygotes.

Submissions (3):

Myriad Genetics, Inc.
Classification: Likely benign for Juvenile polyposis syndrome. Last evaluated: 2024-08-07. Review status: criteria provided, single submitter. Criteria: Myriad Autosomal Dominant, Autosomal Recessive and X-Linked Classification Criteria (2023). Collection method: clinical testing. Allele origin: unknown.
Comment: This variant is considered likely benign. This variant is intronic and is not expected to impact mRNA splicing.

Labcorp Genetics (formerly Invitae), Labcorp
Classification: Likely benign for Juvenile polyposis syndrome. Last evaluated: 2021-04-10. Review status: criteria provided, single submitter. Criteria: Invitae Variant Classification Sherloc (09022015). Collection method: clinical testing. Allele origin: germline.

GeneDx
Classification: Likely benign. Last evaluated: 2016-02-29. Review status: criteria provided, single submitter. Criteria: GeneDx Variant Classification (06012015). Collection method: clinical testing. Allele origin: germline. Affected: yes.
Comment: This variant is considered likely benign or benign based on one or more of the following criteria: it is a conservative change, it occurs at a poorly conserved position in the protein, it is predicted to be benign by multiple in silico algorithms, and/or has population frequency not consistent with disease.